The following is an entry in ClinVar:

ClinVar aggregate classification (germline): Likely pathogenic (1 of 4 stars; one submission).

Conditions:
HELIX syndrome. Also called: Hypohidrosis-electrolyte imbalance-lacrimal gland dysfunction-ichthyosis-xerostomia syndrome; HYPOHIDROSIS, ELECTROLYTE IMBALANCE, LACRIMAL GLAND DYSFUNCTION, ICHTHYOSIS, AND XEROSTOMIA. Identifiers: Orphanet 528105, MedGen C4522164, MONDO:0060564, OMIM 617671.

Submission:

MVZ Medizinische Genetik Mainz
Classification: Likely pathogenic for HELIX syndrome. Last evaluated: 2021-09-23. Review status: criteria provided, single submitter. Criteria: UK Practice Guidelines For Variant Classification V4 01 2020. Collection method: clinical testing. Allele origin: germline. Inheritance: Autosomal recessive inheritance. Affected: yes. Observed: 1 variant allele.
Comment: ACMG Criteria: PS1, PM2_SUP, PP3

NM_006984.5(CLDN10):c.142A>C (p.Asn48His)

Gene: CLDN10 (claudin 10; plus strand). Cytogenetic location: 13q32.1.
Variant type: single nucleotide variant.
Coding change: c.142A>C on transcript NM_006984.5 (MANE Select); coding-DNA position 142, A replaced by C.
Protein change: p.Asn48His; replaces asparagine 48 with histidine.
Molecular consequence: missense variant. On other transcripts: intron variant (2).
Genome position (GRCh38, 1-based): chr13:95,552,895, A>C. VCF-style: chr13-95552895-A-C. GRCh37 (hg19) VCF-style: chr13-96205149-A-C.
Other names: c.215-7237A>C (NM_182848.4); c.158-7237A>C (NM_001160100.2); short protein forms N48H.
Identifiers: ClinVar variation 3236047 (VCV003236047.1), dbSNP rs2501666805, ClinGen allele CA388478746.
Genomic context (GRCh38, chr13:95,552,895, plus strand): 5'-GACTACTGGAAGGTGTCTACCATCGACGGCACGGTCATCACAACCGCCACCTATTGGGCC[A>C]ACCTGTGGAAGGCGTGCGTTACCGACTCCACGGGCGTCTCCAACTGCAAGGACTTCCCCT-3'
Protein context (NP_008915.1, residues 38-58): TVITTATYWA[Asn48His]LWKACVTDST